The following is an entry in ClinVar:

ClinVar aggregate classification (germline): Uncertain significance (1 of 4 stars; one submission).

Submission:

Women's Health and Genetics/Laboratory Corporation of America, LabCorp
Classification: Uncertain significance. Last evaluated: 2025-06-11. Review status: criteria provided, single submitter. Criteria: LabCorp Variant Classification Summary - May 2015. Collection method: clinical testing. Allele origin: germline.
Comment: Variant summary: ZEB2 c.2787G>C (p.Met929Ile) results in a conservative amino acid change in the encoded protein sequence. Algorithms developed to predict the effect of missense changes on protein structure and function are either unavailable or do not agree on the potential impact of this missense change. The variant was absent in 251450 control chromosomes. The available data on variant occurrences in the general population are insufficient to allow any conclusion about variant significance. To our knowledge, no occurrence of c.2787G>C in individuals affected with Mowat-Wilson Syndrome and no experimental evidence demonstrating its impact on protein function have been reported. No submitters have cited clinical-significance assessments for this variant to ClinVar. Based on the evidence outlined above, the variant was classified as uncertain significance.

NM_014795.4(ZEB2):c.2787G>C (p.Met929Ile)

Gene: ZEB2 (zinc finger E-box binding homeobox 2; minus strand). Cytogenetic location: 2q22.3.
Variant type: single nucleotide variant.
Coding change: c.2787G>C on transcript NM_014795.4 (MANE Select); coding-DNA position 2787, G replaced by C.
Protein change: p.Met929Ile; replaces methionine 929 with isoleucine.
Molecular consequence: missense variant.
Genome position (GRCh38, 1-based): chr2:144,398,400, C>G on the plus strand (G>C on the coding strand, the complement: ZEB2 is on the minus strand). VCF-style: chr2-144398400-C-G. GRCh37 (hg19) VCF-style: chr2-145155967-C-G.
Other names: c.2715G>C, p.Met905Ile (NM_001171653.2); short protein forms M905I, M929I.
Identifiers: ClinVar variation 3907213 (VCV003907213.1).